The following is an entry in ClinVar:

ClinVar aggregate classification (germline): Likely pathogenic (1 of 4 stars; one submission).

Conditions:
Primary immunodeficiency or monogenic inflammatory bowel disease.

Submission:

North West Genomic Laboratory Hub, Manchester University NHS Foundation Trust
Classification: Likely pathogenic for Primary immunodeficiency or monogenic inflammatory bowel disease. Last evaluated: 2025-12-08. Review status: criteria provided, single submitter. Criteria: ACGS Best Practice Guidelines for Variant Classification in Rare Disease 2024. Collection method: clinical testing. Allele origin: germline. Affected: yes.
Comment: PM2_Mod PVS1_Str PS4_Supp

NM_000061.3(BTK):c.1902G>A (p.Trp634Ter)

Gene: BTK (Bruton tyrosine kinase; minus strand). Cytogenetic location: Xq22.1.
Variant type: single nucleotide variant.
Coding change: c.1902G>A on transcript NM_000061.3 (MANE Select); coding-DNA position 1902, G replaced by A.
Protein change: p.Trp634Ter; replaces tryptophan 634 with a stop codon.
Molecular consequence: nonsense.
Genome position (GRCh38, 1-based): chrX:101,353,200, C>T on the plus strand (G>A on the coding strand, the complement: BTK is on the minus strand). VCF-style: chrX-101353200-C-T. GRCh37 (hg19) VCF-style: chrX-100608188-C-T.
Other names: c.2004G>A, p.Trp668Ter (NM_001287344.2); c.1374G>A, p.Trp458Ter (NM_001287345.2); short protein forms W458*, W634*, W668*.
Identifiers: ClinVar variation 4887997 (VCV004887997.1).